The following is an entry in ClinVar:

ClinVar aggregate classification (germline): Likely benign. Review status: criteria provided, single submitter (1 of 4 stars). 2 submissions from 2 submitters: Likely benign (1). 1 of the submissions does not count toward it. Last evaluated 2026-01-17.

Conditions:
Chédiak-Higashi syndrome (CHS). Also called: Chediak-Higashi Syndrome. Identifiers: Orphanet 167, MedGen C0007965, MONDO:0008963, OMIM 214500.
LYST-related disorder. Also called: LYST-related condition.

Allele frequency attached by ClinVar (database versions not stated): gnomAD 0.00002; gnomAD exomes 0.00002; ExAC 0.00004; 1000 Genomes Project 0.00020; 1000 Genomes Project 30x 0.00031.
gnomAD v4.1: 34 of 1,613,680 alleles (0.0021%); highest among the groups gnomAD compares: South Asian, 0.016%; no homozygotes.

Submissions (2):

Labcorp Genetics (formerly Invitae), Labcorp
Classification: Likely benign for Chédiak-Higashi syndrome. Last evaluated: 2026-01-17. Review status: criteria provided, single submitter. Criteria: Invitae Variant Classification Sherloc (09022015). Collection method: clinical testing. Allele origin: germline.

PreventionGenetics, part of Exact Sciences
Classification: Likely benign for LYST-related condition. Last evaluated: 2020-06-25. Review status: no assertion criteria provided. Collection method: clinical testing. Allele origin: germline. Not counted in ClinVar's aggregate classification.
Comment: This variant is classified as likely benign based on ACMG/AMP sequence variant interpretation guidelines (Richards et al. 2015 PMID: 25741868, with internal and published modifications).

NM_000081.4(LYST):c.3249C>T (p.Ala1083=)

Gene: LYST (lysosomal trafficking regulator; minus strand). Cytogenetic location: 1q42.3.
Variant type: single nucleotide variant.
Coding change: c.3249C>T on transcript NM_000081.4 (MANE Select); coding-DNA position 3249, C replaced by T.
Protein change: p.Ala1083=; no amino-acid change (alanine 1083 retained).
Molecular consequence: synonymous variant.
Genome position (GRCh38, 1-based): chr1:235,805,887, G>A on the plus strand (C>T on the coding strand, the complement: LYST is on the minus strand). VCF-style: chr1-235805887-G-A. GRCh37 (hg19) VCF-style: chr1-235969187-G-A.
Other names: c.3249C>T, p.Ala1083= (NM_001301365.1).
Identifiers: ClinVar variation 1936009 (VCV001936009.7), dbSNP rs193054100, ClinGen allele CA1467116.